The following is an entry in ClinVar:

NC_000016.9:g.(?_2089925)_(2115656_?)del

Genes: NTHL1 (nth like DNA glycosylase 1; minus strand), TSC2 (TSC complex subunit 2; plus strand). Cytogenetic location: 16p13.3.
Variant type: Deletion.
Identifiers: ClinVar variation 2423311 (VCV002423311.3).

ClinVar aggregate classification (germline): Pathogenic (1 of 4 stars; one submission).

Conditions:
Tuberous sclerosis 2 (TSC2). Identifiers: Orphanet 805, MedGen C1860707, MONDO:0013199, OMIM 613254.

Submission:

Labcorp Genetics (formerly Invitae), Labcorp
Classification: Pathogenic for Tuberous sclerosis 2. Last evaluated: 2022-06-08. Review status: criteria provided, single submitter. Criteria: Invitae Variant Classification Sherloc (09022015). Collection method: clinical testing. Allele origin: germline.
Comment: This variant is a gross deletion of the genomic region encompassing exon(s) 1-16 of the TSC2 gene, which includes the initiator codon. This deletion extends beyond the assayed region for this gene and therefore may encompass additional genes. It is expected to result in an absent or disrupted protein product. Loss-of-function variants in TSC2 are known to be pathogenic (PMID: 10205261, 17304050). A similar copy number variant has been observed in individual(s) with clinical features of tuberous sclerosis (PMID: 29932062). In at least one individual the variant was observed to be de novo. For these reasons, this variant has been classified as Pathogenic.

Literature cited by the submitters: PubMed 10205261; PubMed 17304050; PubMed 29932062.